The following is an entry in ClinVar:

NM_004360.5(CDH1):c.860C>A (p.Thr287Lys)

Gene: CDH1 (cadherin 1; plus strand). Cytogenetic location: 16q22.1.
Variant type: single nucleotide variant.
Coding change: c.860C>A on transcript NM_004360.5 (MANE Select); coding-DNA position 860, C replaced by A.
Protein change: p.Thr287Lys; replaces threonine 287 with lysine.
Molecular consequence: missense variant. On other transcripts: 5 prime UTR variant (2).
Genome position (GRCh38, 1-based): chr16:68,811,711, C>A. VCF-style: chr16-68811711-C-A. GRCh37 (hg19) VCF-style: chr16-68845614-C-A.
Other names: c.860C>A, p.Thr287Lys (NM_001317184.2); c.-756C>A (NM_001317185.2); c.-960C>A (NM_001317186.2); short protein forms T287K.
Identifiers: ClinVar variation 1050988 (VCV001050988.11), dbSNP rs2152131921, ClinGen allele CA396459591.

ClinVar aggregate classification (germline): Uncertain significance. Review status: criteria provided, multiple submitters, no conflicts (2 of 4 stars). 2 submissions from 2 submitters: Uncertain significance (2). Last evaluated 2022-10-08.

Conditions:
Hereditary cancer-predisposing syndrome. Also called: Hereditary Cancer Syndrome; Tumor predisposition; Hereditary neoplastic syndrome; Neoplastic Syndromes, Hereditary. Identifiers: Orphanet 140162, MedGen C0027672, MeSH D009386, MONDO:0015356.
Hereditary diffuse gastric adenocarcinoma (HDGC). Also called: DIFFUSE GASTRIC AND LOBULAR BREAST CANCER SYNDROME. Identifiers: Orphanet 26106, MedGen C1708349, MONDO:0007648, OMIM 137215.

Submissions (2):

Ambry Genetics
Classification: Uncertain significance for Hereditary cancer-predisposing syndrome. Last evaluated: 2022-10-08. Review status: criteria provided, single submitter. Criteria: Ambry Variant Classification Scheme 2023. Collection method: clinical testing. Allele origin: germline.
Comment: The p.T287K variant (also known as c.860C>A), located in coding exon 7 of the CDH1 gene, results from a C to A substitution at nucleotide position 860. The threonine at codon 287 is replaced by lysine, an amino acid with similar properties. This amino acid position is conserved. In addition, the in silico prediction for this alteration is inconclusive. Since supporting evidence is limited at this time, the clinical significance of this alteration remains unclear.

Labcorp Genetics (formerly Invitae), Labcorp
Classification: Uncertain significance for Hereditary diffuse gastric adenocarcinoma. Last evaluated: 2020-06-26. Review status: criteria provided, single submitter. Criteria: Invitae Variant Classification Sherloc (09022015). Collection method: clinical testing. Allele origin: germline.
Comment: This variant has not been reported in the literature in individuals with CDH1-related conditions. This sequence change replaces threonine with lysine at codon 287 of the CDH1 protein (p.Thr287Lys). The threonine residue is highly conserved and there is a moderate physicochemical difference between threonine and lysine. This variant is not present in population databases (ExAC no frequency). Algorithms developed to predict the effect of missense changes on protein structure and function (SIFT, PolyPhen-2, Align-GVGD) all suggest that this variant is likely to be disruptive, but these predictions have not been confirmed by published functional studies and their clinical significance is uncertain. In summary, the available evidence is currently insufficient to determine the role of this variant in disease. Therefore, it has been classified as a Variant of Uncertain Significance.